The following is an entry in ClinVar:

NM_001113491.2(SEPTIN9):c.722-6589G>C

Gene: SEPTIN9 (septin 9; plus strand). Cytogenetic location: 17q25.3.
Variant type: single nucleotide variant.
Coding change: c.722-6589G>C on transcript NM_001113491.2 (MANE Select); 6589 bases into the intron before coding-DNA position 722, G replaced by C.
Molecular consequence: intron variant.
Genome position (GRCh38, 1-based): chr17:77,475,555, G>C. VCF-style: chr17-77475555-G-C. GRCh37 (hg19) VCF-style: chr17-75471637-G-C.
Other names: c.665-6589G>C (NM_001293695.2); c.230-6589G>C (NM_001113492.2, NM_001113494.1); c.668-6589G>C (NM_006640.5); c.701-6589G>C (NM_001113493.2); c.50-6589G>C (NM_001293696.2); c.-32-6589G>C (NM_001113496.2, NM_001293697.2, NM_001293698.2).
Identifiers: ClinVar variation 694898 (VCV000694898.4), dbSNP rs202206729, ClinGen allele CA8793399.

ClinVar aggregate classification (germline): Likely benign. Review status: criteria provided, single submitter (1 of 4 stars). 2 submissions from 2 submitters: Likely benign (1). 1 of the submissions does not count toward it. Last evaluated 2026-08-26.

Conditions:
Charcot-Marie-Tooth disease. Also called: Charcot-Marie-Tooth Neuropathy; Charcot-Marie-Tooth Hereditary Neuropathy. Identifiers: Orphanet 166, MedGen C0007959, MONDO:0015626.
SEPTIN9-related disorder. Also called: SEPTIN9-related condition.

Allele frequency attached by ClinVar (database versions not stated): TOPMed 0.00014.
gnomAD v4.1: 83 of 1,613,026 alleles (0.0051%); highest among the groups gnomAD compares: African/African-American, 0.064%; 1 homozygote.

Submissions (2):

PreventionGenetics, part of Exact Sciences
Classification: Likely benign for SEPTIN9-related condition. Last evaluated: 2026-08-26. Review status: criteria provided, single submitter. Criteria: ACMG Guidelines, 2015. Collection method: clinical testing. Allele origin: germline.
Comment: This variant is classified as likely benign based on ACMG/AMP sequence variant interpretation guidelines (Richards et al. 2015 PMID: 25741868, with internal and published modifications).

Genesis Genome Database
Classification: Uncertain significance for Charcot-Marie-Tooth disease. Last evaluated: 2019-08-14. Review status: no assertion criteria provided. Collection method: research. Allele origin: germline. Affected: yes. Not counted in ClinVar's aggregate classification.